The following is an entry in ClinVar:

NM_006015.6(ARID1A):c.3975C>A (p.Pro1325=)

Gene: ARID1A (AT-rich interaction domain 1A; plus strand). Cytogenetic location: 1p36.11.
Variant type: single nucleotide variant.
Coding change: c.3975C>A on transcript NM_006015.6 (MANE Select); coding-DNA position 3975, C replaced by A.
Protein change: p.Pro1325=; no amino-acid change (proline 1325 retained).
Molecular consequence: synonymous variant.
Genome position (GRCh38, 1-based): chr1:26,773,688, C>A. VCF-style: chr1-26773688-C-A. GRCh37 (hg19) VCF-style: chr1-27100179-C-A.
Other names: c.3975C>A, p.Pro1325= (NM_139135.4).
Identifiers: ClinVar variation 4821632 (VCV004821632.4).
Genomic context (GRCh38, chr1:26,773,688, plus strand): 5'-ACAGCCGAATCTCATGCCTTCCAACCCAGACTCGGGGATGTATTCTCCTAGCCGCTACCC[C>A]CCGCAGCAGCAGCAGCAGCAGCAGCAACGGTGAGTAAAGCCTGGTCTCGGTGCTGCTATG-3'
Protein context (NP_006006.3, residues 1315-1335): DSGMYSPSRY[Pro1325=]PQQQQQQQQR

ClinVar aggregate classification (germline): Likely benign (1 of 4 stars; one submission).

Submission:

CeGaT Center for Human Genetics Tuebingen
Classification: Likely benign. Last evaluated: 2026-02-01. Review status: criteria provided, single submitter. Criteria: CeGaT Center For Human Genetics Tuebingen Variant Classification Criteria Version 2. Collection method: clinical testing. Allele origin: germline. Affected: yes. Observed: 1 variant allele.
Comment: ARID1A: BP4, BP7